The following is an entry in ClinVar:

NM_001080442.3(SLC38A8):c.495dup (p.Ala166fs)

Gene: SLC38A8 (solute carrier family 38 member 8; minus strand). Cytogenetic location: 16q23.3.
Variant type: Duplication.
Coding change: c.495dup on transcript NM_001080442.3 (MANE Select); coding-DNA position 495, one base duplicated (T; older notation c.495dupT).
Protein change: p.Ala166fs; shifts the reading frame from alanine 166.
Molecular consequence: frameshift variant.
Genome position (GRCh38, 1-based): chr16:84,033,363, A duplicated on the plus strand (T on the coding strand, the reverse complement: SLC38A8 is on the minus strand). VCF-style (leftmost placement, unchanged base first): chr16-84033362-C-CA. GRCh37 (hg19) VCF-style: chr16-84066967-C-CA.
Other names: short protein forms A166fs.
Identifiers: ClinVar variation 2700790 (VCV002700790.3), dbSNP rs2507659253, ClinGen allele CA2697555981.

ClinVar aggregate classification (germline): Pathogenic (1 of 4 stars; one submission).

Submission:

Labcorp Genetics (formerly Invitae), Labcorp
Classification: Pathogenic. Last evaluated: 2023-12-04. Review status: criteria provided, single submitter. Criteria: Invitae Variant Classification Sherloc (09022015). Collection method: clinical testing. Allele origin: germline.
Comment: This sequence change creates a premature translational stop signal (p.Ala166Cysfs*40) in the SLC38A8 gene. It is expected to result in an absent or disrupted protein product. Loss-of-function variants in SLC38A8 are known to be pathogenic (PMID: 24290379). This variant is not present in population databases (gnomAD no frequency). This variant has not been reported in the literature in individuals affected with SLC38A8-related conditions. For these reasons, this variant has been classified as Pathogenic.

Literature cited by the submitters: PubMed 24290379.